The following is an entry in ClinVar:

NM_005159.5(ACTC1):c.650A>G (p.Lys217Arg)

Genes: GJD2-DT (GJD2 divergent transcript; plus strand), ACTC1 (actin alpha cardiac muscle 1; minus strand). Cytogenetic location: 15q14.
Variant type: single nucleotide variant.
Coding change: c.650A>G on transcript NM_005159.5 (MANE Select); coding-DNA position 650, A replaced by G.
Protein change: p.Lys217Arg; replaces lysine 217 with arginine.
Molecular consequence: missense variant.
Genome position (GRCh38, 1-based): chr15:34,792,248, T>C on the plus strand (A>G on the coding strand, the complement: ACTC1 is on the minus strand). VCF-style: chr15-34792248-T-C. GRCh37 (hg19) VCF-style: chr15-35084449-T-C.
Other names: c.650A>G, p.Lys217Arg (NM_001406482.1, NM_001406483.1); c.515A>G, p.Lys172Arg (NM_001406484.1); c.209A>G, p.Lys70Arg (NM_001406485.1); short protein forms K217R, K70R, K172R.
Identifiers: ClinVar variation 4783291 (VCV004783291.1).

ClinVar aggregate classification (germline): Uncertain significance (1 of 4 stars; one submission).

Conditions:
Dilated cardiomyopathy 1R (CMD1R). Identifiers: Orphanet 154, Orphanet 54260, MedGen C3150681, MONDO:0013261, OMIM 613424.
Atrial septal defect 5 (ASD5). Identifiers: Orphanet 1478, MedGen C2748552, MONDO:0013011, OMIM 612794.
Hypertrophic cardiomyopathy 11. Also called: ACTC1-Related Familial Hypertrophic Cardiomyopathy. Identifiers: MedGen C2677506, MONDO:0012799, OMIM 612098.

Submission:

Labcorp Genetics (formerly Invitae), Labcorp
Classification: Uncertain significance for Dilated cardiomyopathy 1R; Hypertrophic cardiomyopathy 11; Atrial septal defect 5. Last evaluated: 2025-03-13. Review status: criteria provided, single submitter. Criteria: Invitae Variant Classification Sherloc (09022015). Collection method: clinical testing. Allele origin: germline.
Comment: This sequence change replaces lysine, which is basic and polar, with arginine, which is basic and polar, at codon 217 of the ACTC1 protein (p.Lys217Arg). This variant is not present in population databases (gnomAD no frequency). This variant has not been reported in the literature in individuals affected with ACTC1-related conditions. Invitae Evidence Modeling of protein sequence and biophysical properties (such as structural, functional, and spatial information, amino acid conservation, physicochemical variation, residue mobility, and thermodynamic stability) indicates that this missense variant is not expected to disrupt ACTC1 protein function with a negative predictive value of 80%. In summary, the available evidence is currently insufficient to determine the role of this variant in disease. Therefore, it has been classified as a Variant of Uncertain Significance.